The following is an entry in ClinVar:

NM_001034853.2(RPGR):c.1946A>T (p.Asp649Val)

Gene: RPGR (retinitis pigmentosa GTPase regulator; minus strand). Cytogenetic location: Xp11.4.
Variant type: single nucleotide variant.
Coding change: c.1946A>T on transcript NM_001034853.2 (MANE Select); coding-DNA position 1946, A replaced by T.
Protein change: p.Asp649Val; replaces aspartic acid 649 with valine.
Molecular consequence: missense variant. On other transcripts: intron variant (8).
Genome position (GRCh38, 1-based): chrX:38,287,053, T>A on the plus strand (A>T on the coding strand, the complement: RPGR is on the minus strand). VCF-style: chrX-38287053-T-A. GRCh37 (hg19) VCF-style: chrX-38146306-T-A.
Other names: c.1569+3906A>T (NM_001367249.1, NM_001367250.1); c.1902+41A>T (NM_001367245.1); c.1386+3906A>T (NM_001367251.1); c.1719+41A>T (NM_001367246.1); c.1572+3906A>T (NM_001367247.1); c.1905+41A>T (NM_000328.3); c.1602+3906A>T (NM_001367248.1); short protein forms D649V.
Identifiers: ClinVar variation 1965565 (VCV001965565.5), dbSNP rs367882990, ClinGen allele CA10385318.
Genomic context (GRCh38, chrX:38,287,053, plus strand): 5'-CAGTGTTCTGCTCCTGAACTACCTTCCTCACAGGTTCCATCCCCTCTACCTTCAGGCCCA[T>A]CCTCTGCTTCTCCCACTGATTTTGCCTTGCCTTCACTCACCTCTGCTTTGTCTGTAAGGT-3'
Protein context (NP_001030025.1, residues 639-659): GKAKSVGEAE[Asp649Val]GPEGRGDGTC

ClinVar aggregate classification (germline): Uncertain significance (1 of 4 stars; one submission).

Conditions:
Primary ciliary dyskinesia. Also called: Ciliary dyskinesia. Identifiers: Orphanet 244, MedGen C0008780, MONDO:0016575, HP:0012265.

Allele frequency attached by ClinVar (database versions not stated): gnomAD exomes below 0.00001; ExAC 0.00001; gnomAD 0.00006; ESP Exome Variant Server 0.00009; TOPMed 0.00009.
gnomAD v4.1: 9 of 1,208,068 alleles (0.00074%); highest among the groups gnomAD compares: African/African-American, 0.016%; no homozygotes.

Submission:

Labcorp Genetics (formerly Invitae), Labcorp
Classification: Uncertain significance for Primary ciliary dyskinesia. Last evaluated: 2023-11-03. Review status: criteria provided, single submitter. Criteria: Invitae Variant Classification Sherloc (09022015). Collection method: clinical testing. Allele origin: germline.
Comment: This sequence change replaces aspartic acid, which is acidic and polar, with valine, which is neutral and non-polar, at codon 649 of the RPGR (ORF15) protein (p.Asp649Val). This variant is present in population databases (rs367882990, gnomAD 0.03%). This variant has not been reported in the literature in individuals affected with RPGR (ORF15)-related conditions. ClinVar contains an entry for this variant (Variation ID: 1965565). Advanced modeling of protein sequence and biophysical properties (such as structural, functional, and spatial information, amino acid conservation, physicochemical variation, residue mobility, and thermodynamic stability) performed at Invitae indicates that this missense variant is not expected to disrupt RPGR (ORF15) protein function with a negative predictive value of 95%. In summary, the available evidence is currently insufficient to determine the role of this variant in disease. Therefore, it has been classified as a Variant of Uncertain Significance.